The following is an entry in ClinVar:

NM_000038.6(APC):c.3591C>T (p.Phe1197=)

Gene: APC (APC regulator of Wnt signaling pathway; plus strand). Cytogenetic location: 5q22.2.
Variant type: single nucleotide variant.
Coding change: c.3591C>T on transcript NM_000038.6 (MANE Select); coding-DNA position 3591, C replaced by T.
Protein change: p.Phe1197=; no amino-acid change (phenylalanine 1197 retained).
Molecular consequence: synonymous variant.
Genome position (GRCh38, 1-based): chr5:112,839,185, C>T. VCF-style: chr5-112839185-C-T. GRCh37 (hg19) VCF-style: chr5-112174882-C-T.
Other names: c.3591C>T, p.Phe1197= (NM_001127510.3, NM_001354895.2); c.3537C>T, p.Phe1179= (NM_001127511.3); c.3645C>T, p.Phe1215= (NM_001354896.2); c.3621C>T, p.Phe1207= (NM_001354897.2); c.3516C>T, p.Phe1172= (NM_001354898.2); c.3507C>T, p.Phe1169= (NM_001354899.2); c.3468C>T, p.Phe1156= (NM_001354900.2); c.3414C>T, p.Phe1138= (NM_001354901.2); and 5 more.
Identifiers: ClinVar variation 921114 (VCV000921114.6), dbSNP rs1765464418, ClinGen allele CA445963633.
Genomic context (GRCh38, chr5:112,839,185, plus strand): 5'-TGATTATAGTTTAAAATATGCCACAGATATTCCTTCATCACAGAAACAGTCATTTTCATT[C>T]TCAAAGAGTTCATCTGGACAAAGCAGTAAAACCGAACATATGTCTTCAAGCAGTGAGAAT-3'
Protein context (NP_000029.2, residues 1187-1207): IPSSQKQSFS[Phe1197=]SKSSSGQSSK

ClinVar aggregate classification (germline): Benign/Likely benign. Review status: criteria provided, multiple submitters, no conflicts (2 of 4 stars). 5 submissions from 5 submitters: Benign (1); Likely benign (4). Last evaluated 2025-11-01.

Conditions:
Hereditary cancer-predisposing syndrome. Also called: Neoplastic Syndromes, Hereditary; Tumor predisposition; Hereditary Cancer Syndrome; Hereditary neoplastic syndrome. Identifiers: Orphanet 140162, MedGen C0027672, MeSH D009386, MONDO:0015356.
Familial adenomatous polyposis 1 (FAP1). Also called: FAMILIAL ADENOMATOUS POLYPOSIS 1, ATTENUATED; POLYPOSIS, ADENOMATOUS INTESTINAL. Identifiers: MedGen C2713442, MONDO:0021056, OMIM 175100. Disease mechanism: loss of function.
Classic or attenuated familial adenomatous polyposis. Identifiers: MedGen CN372698, MONDO:0021057.

gnomAD v4.1: 1 of 1,614,104 alleles (0.000062%); highest among the groups gnomAD compares: East Asian, 0.0022%; no homozygotes.

Submissions (5):

Ambry Genetics
Classification: Likely benign for Hereditary cancer-predisposing syndrome. Last evaluated: 2025-11-01. Review status: criteria provided, single submitter. Criteria: Ambry Variant Classification Scheme 2023. Collection method: clinical testing. Allele origin: germline.

Labcorp Genetics (formerly Invitae), Labcorp
Classification: Likely benign for Familial adenomatous polyposis 1. Last evaluated: 2025-03-03. Review status: criteria provided, single submitter. Criteria: Invitae Variant Classification Sherloc (09022015). Collection method: clinical testing. Allele origin: germline.

Myriad Genetics, Inc.
Classification: Benign for Familial adenomatous polyposis 1. Last evaluated: 2024-03-21. Review status: criteria provided, single submitter. Criteria: Myriad Autosomal Dominant, Autosomal Recessive and X-Linked Classification Criteria (2023). Collection method: clinical testing. Allele origin: unknown.
Comment: This variant is considered benign. This variant is a silent/synonymous amino acid change and it is not expected to impact splicing.

All of Us Research Program, National Institutes of Health
Classification: Likely benign for Classic or attenuated familial adenomatous polyposis. Last evaluated: 2023-04-03. Review status: criteria provided, single submitter. Criteria: ACMG Guidelines, 2015. Collection method: clinical testing. Allele origin: germline. Inheritance: Autosomal dominant inheritance. Observed: 1 variant allele, 1 heterozygote.
Comment: This study involves interpretation of variants in research participants for the purpose of population health screening. Participant phenotype was not available at the time of variant classification. Additional details can be found in publication PMID: 35346344, PMCID: PMC8962531

Color Diagnostics, LLC DBA Color Health
Classification: Likely benign for Hereditary cancer-predisposing syndrome. Last evaluated: 2020-03-18. Review status: criteria provided, single submitter. Criteria: ACMG Guidelines, 2015. Collection method: clinical testing. Allele origin: germline.